The following is an entry in ClinVar:

ClinVar aggregate classification (germline): Uncertain significance (1 of 4 stars; one submission).

Conditions:
Cardiovascular phenotype. Identifiers: MedGen CN230736.

gnomAD v4.1: 1 of 1,614,150 alleles (0.000062%); highest among the groups gnomAD compares: Admixed American, 0.0017%; no homozygotes.

Submission:

Ambry Genetics
Classification: Uncertain significance for Cardiovascular phenotype. Last evaluated: 2025-03-04. Review status: criteria provided, single submitter. Criteria: Ambry Variant Classification Scheme 2023. Collection method: clinical testing. Allele origin: germline.
Comment: The p.S137T variant (also known as c.409T>A), located in coding exon 4 of the TTR gene, results from a T to A substitution at nucleotide position 409. The serine at codon 137 is replaced by threonine, an amino acid with similar properties. This amino acid position is well conserved in available vertebrate species. In addition, the in silico prediction for this alteration is inconclusive. Based on the available evidence, the clinical significance of this variant remains unclear.

NM_000371.4(TTR):c.409T>A (p.Ser137Thr)

Gene: TTR (transthyretin; plus strand). Cytogenetic location: 18q12.1.
Variant type: single nucleotide variant.
Coding change: c.409T>A on transcript NM_000371.4 (MANE Select); coding-DNA position 409, T replaced by A.
Protein change: p.Ser137Thr; replaces serine 137 with threonine.
Molecular consequence: missense variant.
Genome position (GRCh38, 1-based): chr18:31,598,640, T>A. VCF-style: chr18-31598640-T-A. GRCh37 (hg19) VCF-style: chr18-29178603-T-A.
Other names: short protein forms S137T.
Identifiers: ClinVar variation 3812326 (VCV003812326.1).